The following is an entry in ClinVar:

NM_004655.4(AXIN2):c.936G>A (p.Met312Ile)

Gene: AXIN2 (axin 2; minus strand). Cytogenetic location: 17q24.1.
Variant type: single nucleotide variant.
Coding change: c.936G>A on transcript NM_004655.4 (MANE Select); coding-DNA position 936, G replaced by A.
Protein change: p.Met312Ile; replaces methionine 312 with isoleucine.
Molecular consequence: missense variant.
Genome position (GRCh38, 1-based): chr17:65,549,540, C>T on the plus strand (G>A on the coding strand, the complement: AXIN2 is on the minus strand). VCF-style: chr17-65549540-C-T. GRCh37 (hg19) VCF-style: chr17-63545658-C-T.
Other names: c.936G>A, p.Met312Ile (NM_001363813.1); short protein forms M312I.
Identifiers: ClinVar variation 4533077 (VCV004533077.1).

ClinVar aggregate classification (germline): Uncertain significance (1 of 4 stars; one submission).

Submission:

Quest Diagnostics Nichols Institute San Juan Capistrano
Classification: Uncertain significance. Last evaluated: 2024-12-29. Review status: criteria provided, single submitter. Criteria: Quest Diagnostics criteria. Collection method: clinical testing. Allele origin: unknown.
Comment: The AXIN2 c.936G>A (p.Met312Ile) variant has not been reported in individuals with AXIN2-related conditions in the published literature. It also has not been reported in large, multi-ethnic general populations (Genome Aggregation Database). Analysis of this variant using bioinformatics tools for the prediction of the effect of amino acid changes on protein structure and function yielded predictions that this variant is benign. Based on the available information, we are unable to determine the clinical significance of this variant.